The following is an entry in ClinVar:

ClinVar aggregate classification (germline): Pathogenic. Review status: criteria provided, multiple submitters, no conflicts (2 of 4 stars). 2 submissions from 2 submitters: Pathogenic (2). Last evaluated 2021-07-06.

Conditions:
Deafness-lymphedema-leukemia syndrome. Also called: Lymphedema, primary, with myelodysplasia; Emberger syndrome. Identifiers: Orphanet 3226, MedGen C3279664, MONDO:0013540, OMIM 614038.
Monocytopenia with susceptibility to infections. Also called: MONOCYTOPENIA AND MYCOBACTERIAL INFECTION SYNDROME; MONOCYTOPENIA WITH SUSCEPTIBILITY TO MYCOBACTERIAL, FUNGAL, AND PAPILLOMAVIRUS INFECTIONS AND MYELODYSPLASIA; COMBINED IMMUNODEFICIENCY WITH SUSCEPTIBILITY TO MYCOBACTERIAL, VIRAL, AND FUNGAL INFECTIONS; IMMUNODEFICIENCY 21; Dendritic cell, monocyte, B lymphocyte, and natural killer lymphocyte deficiency; GATA2 DEFICIENCY. Identifiers: Orphanet 228423, MedGen C3280030, MONDO:0013607, OMIM 614172.
GATA2 deficiency with susceptibility to MDS/AML. Identifiers: MedGen CN300066, MONDO:0042982.

Submissions (2):

Molecular Pathology Research Laboratory, SA Pathology
Classification: Pathogenic for GATA2 deficiency with susceptibility to MDS/AML; Deafness-lymphedema-leukemia syndrome. Last evaluated: 2021-07-06. Review status: criteria provided, single submitter. Criteria: ACMG Guidelines, 2015. Collection method: curation. Allele origin: unknown. Inheritance: Autosomal dominant inheritance. Affected: yes. Observed: 1 variant allele.
Comment: PVS1, PS4_Supporting, PM2

Labcorp Genetics (formerly Invitae), Labcorp
Classification: Pathogenic for Monocytopenia with susceptibility to infections; Deafness-lymphedema-leukemia syndrome. Last evaluated: 2018-01-27. Review status: criteria provided, single submitter. Criteria: Invitae Variant Classification Sherloc (09022015). Collection method: clinical testing. Allele origin: germline.
Comment: This variant has not been reported in the literature in individuals with GATA2-related disease. This variant is not present in population databases (ExAC no frequency). This sequence change creates a premature translational stop signal (p.Pro274Thrfs*8) in the GATA2 gene. It is expected to result in an absent or disrupted protein product. Loss-of-function variants in GATA2 are known to be pathogenic (PMID: 21670465, 23223431). For these reasons, this variant has been classified as Pathogenic.

Literature cited by the submitters: PubMed 32088370 (cited by Molecular Pathology Research Laboratory, SA Pathology); PubMed 21670465 (cited by Labcorp Genetics (formerly Invitae), Labcorp); PubMed 23223431 (cited by Labcorp Genetics (formerly Invitae), Labcorp).

NM_032638.5(GATA2):c.818dup (p.Pro274fs)

Gene: GATA2 (GATA binding protein 2; minus strand). Cytogenetic location: 3q21.3.
Variant type: Duplication.
Coding change: c.818dup on transcript NM_032638.5 (MANE Select); coding-DNA position 818, one base duplicated (G; older notation c.818dupG).
Protein change: p.Pro274fs; shifts the reading frame from proline 274.
Molecular consequence: frameshift variant.
Genome position (GRCh38, 1-based): chr3:128,485,780, C duplicated on the plus strand (G on the coding strand, the reverse complement: GATA2 is on the minus strand); the first of 6 consecutive C bases (chr3:128,485,780-128,485,785); duplicating any one gives the same sequence. VCF-style (leftmost placement, unchanged base first): chr3-128485779-T-TC. GRCh37 (hg19) VCF-style: chr3-128204622-T-TC.
Other names: c.818dup, p.Pro274fs (NM_001145661.2, NM_001145662.1); c.818dupG (NM_032638.4, NM_032638.5); short protein forms P274fs.
Identifiers: ClinVar variation 574716 (VCV000574716.7), dbSNP rs1559986946, ClinGen allele CA891842734.